The following is an entry in ClinVar:

ClinVar aggregate classification (germline): Pathogenic/Likely pathogenic. Review status: criteria provided, multiple submitters, no conflicts (2 of 4 stars). 2 submissions from 2 submitters: Pathogenic (1); Likely pathogenic (1). Last evaluated 2023-08-04.

Conditions:
Early-infantile DEE. Also called: Early infantile epileptic encephalopathy; Ohtahara syndrome; Early infantile epileptic encephalopathy with suppression bursts. Identifiers: Orphanet 1934, MedGen C0393706, MONDO:0800491.

Submissions (2):

Labcorp Genetics (formerly Invitae), Labcorp
Classification: Pathogenic for Early-infantile DEE. Last evaluated: 2023-08-04. Review status: criteria provided, single submitter. Criteria: Invitae Variant Classification Sherloc (09022015). Collection method: clinical testing. Allele origin: germline.
Comment: Disruption of the initiator codon has been observed in individual(s) with familial neonatal seizures (PMID: 14985406, 25982755; Invitae). It has also been observed to segregate with disease in related individuals. For these reasons, this variant has been classified as Pathogenic. This variant disrupts the p.Arg144 amino acid residue in KCNQ2. Other variant(s) that disrupt this residue have been determined to be pathogenic (PMID: 23934111, 25740509). This suggests that this residue is clinically significant, and that variants that disrupt this residue are likely to be disease-causing. ClinVar contains an entry for this variant (Variation ID: 497690). This variant is not present in population databases (gnomAD no frequency). This sequence change affects the initiator methionine of the KCNQ2 mRNA. The next in-frame methionine is located at codon 174.

Eurofins Ntd Llc (ga)
Classification: Likely pathogenic. Last evaluated: 2016-11-11. Review status: criteria provided, single submitter. Criteria: EGL Classification Definitions 2015. Collection method: clinical testing. Allele origin: germline. Observed: 1 variant allele, 1 heterozygote.

Literature cited by the submitters: PubMed 14985406 (cited by Labcorp Genetics (formerly Invitae), Labcorp); PubMed 25982755 (cited by Labcorp Genetics (formerly Invitae), Labcorp); PubMed 23934111 (cited by Labcorp Genetics (formerly Invitae), Labcorp); PubMed 25740509 (cited by Labcorp Genetics (formerly Invitae), Labcorp).

NM_172107.4(KCNQ2):c.2T>A (p.Met1Lys)

Gene: KCNQ2 (potassium voltage-gated channel subfamily Q member 2; minus strand). Cytogenetic location: 20q13.33.
Variant type: single nucleotide variant.
Coding change: c.2T>A on transcript NM_172107.4 (MANE Select); coding-DNA position 2, T replaced by A.
Protein change: p.Met1Lys; changes the start codon (methionine 1).
Molecular consequence: missense variant, initiator codon variant.
Genome position (GRCh38, 1-based): chr20:63,472,462, A>T on the plus strand (T>A on the coding strand, the complement: KCNQ2 is on the minus strand). VCF-style: chr20-63472462-A-T. GRCh37 (hg19) VCF-style: chr20-62103815-A-T.
Other names: c.2T>A, p.Met1Lys (NM_004518.6, NM_172106.3, NM_172108.5 and 1 more transcripts); short protein forms M1K.
Identifiers: ClinVar variation 497690 (VCV000497690.14), dbSNP rs118192186, ClinGen allele CA409636356.